The following is an entry in ClinVar:

ClinVar aggregate classification (germline): Benign (1 of 4 stars; one submission).

Conditions:
Dent disease type 1 (DENT1). Also called: NEPHROLITHIASIS 2; NEPHROLITHIASIS, HYPERCALCIURIC, X-LINKED. Identifiers: Orphanet 1652, Orphanet 93622, MedGen C1848336, MONDO:0010225, OMIM 300009.

Allele frequency attached by ClinVar (database versions not stated): gnomAD 0.01610 and 0.01695; TOPMed 0.01900; 1000 Genomes Project 0.01987; 1000 Genomes Project 30x 0.02123.

Submission:

Illumina Laboratory Services, Illumina
Classification: Benign for Dent disease type 1. Last evaluated: 2018-01-12. Review status: criteria provided, single submitter. Criteria: ICSL Variant Classification Criteria 13 December 2019. Collection method: clinical testing. Allele origin: germline.
Comment: This variant was observed in the ICSL laboratory as part of a predisposition screen in an ostensibly healthy population. It had not been previously curated by ICSL or reported in the Human Gene Mutation Database (HGMD: prior to June 1st, 2018), and was therefore a candidate for classification through an automated scoring system. Utilizing variant allele frequency, disease prevalence and penetrance estimates, and inheritance mode, an automated score was calculated to assess if this variant is too frequent to cause the disease. Based on the score and internal cut-off values, a variant classified as benign is not then subjected to further curation. The score for this variant resulted in a classification of benign for this disease.

NM_001127898.4(CLCN5):c.*3409A>G

Gene: CLCN5 (Cl-/H+ antiporter 5; plus strand). Cytogenetic location: Xp11.23.
Variant type: single nucleotide variant.
Coding change: c.*3409A>G on transcript NM_001127898.4 (MANE Select); 3409 bases downstream of the stop codon, A replaced by G.
Molecular consequence: 3 prime UTR variant.
Genome position (GRCh38, 1-based): chrX:50,095,628, A>G. VCF-style: chrX-50095628-A-G. GRCh37 (hg19) VCF-style: chrX-49860285-A-G.
Other names: c.*3409A>G (NM_000084.5, NM_001127899.4, NM_001282163.2).
Identifiers: ClinVar variation 368514 (VCV000368514.5), dbSNP rs59126550, ClinGen allele CA10653966.